The following is an entry in ClinVar:

NM_001184.4(ATR):c.6562C>G (p.Pro2188Ala)

Gene: ATR (ATR checkpoint kinase; minus strand). Cytogenetic location: 3q23.
Variant type: single nucleotide variant.
Coding change: c.6562C>G on transcript NM_001184.4 (MANE Select); coding-DNA position 6562, C replaced by G.
Protein change: p.Pro2188Ala; replaces proline 2188 with alanine.
Molecular consequence: missense variant.
Genome position (GRCh38, 1-based): chr3:142,468,059, G>C on the plus strand (C>G on the coding strand, the complement: ATR is on the minus strand). VCF-style: chr3-142468059-G-C. GRCh37 (hg19) VCF-style: chr3-142186901-G-C.
Other names: c.6370C>G, p.Pro2124Ala (NM_001354579.2); short protein forms P2124A, P2188A.
Identifiers: ClinVar variation 2624939 (VCV002624939.2), dbSNP rs2108276301, ClinGen allele CA354803858.

ClinVar aggregate classification (germline): Uncertain significance (1 of 4 stars; one submission).

Conditions:
Inborn genetic diseases. Identifiers: MedGen C0950123, MeSH D030342.

Submission:

Ambry Genetics
Classification: Uncertain significance for Inborn genetic diseases. Last evaluated: 2023-07-17. Review status: criteria provided, single submitter. Criteria: Ambry Variant Classification Scheme 2023. Collection method: clinical testing. Allele origin: germline.
Comment: The p.P2188A variant (also known as c.6562C>G), located in coding exon 39 of the ATR gene, results from a C to G substitution at nucleotide position 6562. The proline at codon 2188 is replaced by alanine, an amino acid with highly similar properties. This amino acid position is conserved. In addition, this alteration is predicted to be tolerated by in silico analysis. Since supporting evidence is limited at this time, the clinical significance of this alteration remains unclear.